The following is an entry in ClinVar:

NM_001008537.3(NEXMIF):c.3682T>C (p.Tyr1228His)

Gene: NEXMIF (neurite extension and migration factor; minus strand). Cytogenetic location: Xq13.3.
Variant type: single nucleotide variant.
Coding change: c.3682T>C on transcript NM_001008537.3 (MANE Select); coding-DNA position 3682, T replaced by C.
Protein change: p.Tyr1228His; replaces tyrosine 1228 with histidine.
Molecular consequence: missense variant.
Genome position (GRCh38, 1-based): chrX:74,740,875, A>G on the plus strand (T>C on the coding strand, the complement: NEXMIF is on the minus strand). VCF-style: chrX-74740875-A-G. GRCh37 (hg19) VCF-style: chrX-73960710-A-G.
Other names: short protein forms Y1228H.
Identifiers: ClinVar variation 848464 (VCV000848464.10), dbSNP rs2080100368, ClinGen allele CA413664984.

ClinVar aggregate classification (germline): Uncertain significance (1 of 4 stars; one submission).

Allele frequency attached by ClinVar (database versions not stated): gnomAD exomes 0.00001.

Submission:

Labcorp Genetics (formerly Invitae), Labcorp
Classification: Uncertain significance. Last evaluated: 2024-09-14. Review status: criteria provided, single submitter. Criteria: Invitae Variant Classification Sherloc (09022015). Collection method: clinical testing. Allele origin: germline.
Comment: This sequence change replaces tyrosine, which is neutral and polar, with histidine, which is basic and polar, at codon 1228 of the NEXMIF protein (p.Tyr1228His). This variant is not present in population databases (gnomAD no frequency). This variant has not been reported in the literature in individuals affected with NEXMIF-related conditions. ClinVar contains an entry for this variant (Variation ID: 848464). An algorithm developed to predict the effect of missense changes on protein structure and function (PolyPhen-2) suggests that this variant is likely to be tolerated. In summary, the available evidence is currently insufficient to determine the role of this variant in disease. Therefore, it has been classified as a Variant of Uncertain Significance.